The following is an entry in ClinVar:

NM_000093.5(COL5A1):c.2697C>G (p.Gly899=)

Gene: COL5A1 (collagen type V alpha 1 chain; plus strand). Cytogenetic location: 9q34.3.
Variant type: single nucleotide variant.
Coding change: c.2697C>G on transcript NM_000093.5 (MANE Select); coding-DNA position 2697, C replaced by G.
Protein change: p.Gly899=; no amino-acid change (glycine 899 retained).
Molecular consequence: synonymous variant.
Genome position (GRCh38, 1-based): chr9:134,789,205, C>G. VCF-style: chr9-134789205-C-G. GRCh37 (hg19) VCF-style: chr9-137681051-C-G.
Other names: p.Gly899=; c.2697C>G, p.Gly899= (NM_001278074.1).
Identifiers: ClinVar variation 4683461 (VCV004683461.1).

ClinVar aggregate classification (germline): Likely benign (1 of 4 stars; one submission).

gnomAD v4.1: 3 of 1,612,728 alleles (0.00019%); highest among the groups gnomAD compares: Non-Finnish European, 0.00025%; no homozygotes.

Submission:

Mayo Clinic Laboratories, Mayo Clinic
Classification: Likely benign. Last evaluated: 2025-04-16. Review status: criteria provided, single submitter. Criteria: ACMG Guidelines, 2015. Collection method: clinical testing. Allele origin: germline. Observed: 1 variant allele.
Comment: BP4, BP7, PM2_supporting